The following is an entry in ClinVar:

ClinVar aggregate classification (germline): Benign/Likely benign. Review status: criteria provided, multiple submitters, no conflicts (2 of 4 stars). 3 submissions from 3 submitters: Benign (2); Likely benign (1). Last evaluated 2023-03-28.

Conditions:
Familial hemophagocytic lymphohistiocytosis 3 (FHL3). Also called: UNC13D-Related Familial Hemophagocytic Lymphohistiocytosis (UNC13D-fHLH). Identifiers: Orphanet 540, MedGen C1837174, MONDO:0012146, OMIM 608898.

Allele frequency attached by ClinVar (database versions not stated): gnomAD exomes 0.04626 and 0.04850; ExAC 0.06979; gnomAD 0.08404 and 0.08635; TOPMed 0.08744; 1000 Genomes Project 0.08786; 1000 Genomes Project 30x 0.09026.
gnomAD v4.1: 77,104 of 1,535,128 alleles (5%); highest among the groups gnomAD compares: African/African-American, 20%; 3,014 homozygotes.

Submissions (3):

Blueprint Genetics
Classification: Likely benign. Last evaluated: 2023-03-28. Review status: criteria provided, single submitter. Criteria: ACMG Guidelines, 2015. Collection method: clinical testing. Allele origin: germline.

Illumina Laboratory Services, Illumina
Classification: Benign for Familial hemophagocytic lymphohistiocytosis 3. Last evaluated: 2018-01-13. Review status: criteria provided, single submitter. Criteria: ICSL Variant Classification Criteria 13 December 2019. Collection method: clinical testing. Allele origin: germline.
Comment: This variant was observed in the ICSL laboratory as part of a predisposition screen in an ostensibly healthy population. It had not been previously curated by ICSL or reported in the Human Gene Mutation Database (HGMD: prior to June 1st, 2018), and was therefore a candidate for classification through an automated scoring system. Utilizing variant allele frequency, disease prevalence and penetrance estimates, and inheritance mode, an automated score was calculated to assess if this variant is too frequent to cause the disease. Based on the score and internal cut-off values, a variant classified as benign is not then subjected to further curation. The score for this variant resulted in a classification of benign for this disease.

Breakthrough Genomics
Classification: Benign. Review status: criteria provided, single submitter. Criteria: ACMG Guidelines, 2015. Collection method: not provided. Allele origin: germline. Inheritance: Autosomal recessive inheritance. Affected: yes.

NM_199242.3(UNC13D):c.*326C>T

Gene: UNC13D (unc-13 homolog D; minus strand). Cytogenetic location: 17q25.1.
Variant type: single nucleotide variant.
Coding change: c.*326C>T on transcript NM_199242.3 (MANE Select); 326 bases downstream of the stop codon, C replaced by T.
Molecular consequence: 3 prime UTR variant.
Genome position (GRCh38, 1-based): chr17:75,827,639, G>A on the plus strand (C>T on the coding strand, the complement: UNC13D is on the minus strand). VCF-style: chr17-75827639-G-A. GRCh37 (hg19) VCF-style: chr17-73823720-G-A.
Identifiers: ClinVar variation 325237 (VCV000325237.7), dbSNP rs9916685, ClinGen allele CA8772174.